The following is an entry in ClinVar:

NM_006015.6(ARID1A):c.4598T>C (p.Leu1533Pro)

Gene: ARID1A (AT-rich interaction domain 1A; plus strand). Cytogenetic location: 1p36.11.
Variant type: single nucleotide variant.
Coding change: c.4598T>C on transcript NM_006015.6 (MANE Select); coding-DNA position 4598, T replaced by C.
Protein change: p.Leu1533Pro; replaces leucine 1533 with proline.
Molecular consequence: missense variant. On other transcripts: intron variant (1).
Genome position (GRCh38, 1-based): chr1:26,774,825, T>C. VCF-style: chr1-26774825-T-C. GRCh37 (hg19) VCF-style: chr1-27101316-T-C.
Other names: c.4102-155T>C (NM_139135.4); short protein forms L1533P.
Identifiers: ClinVar variation 2975281 (VCV002975281.3), dbSNP rs2124120811, ClinGen allele CA339176863.
Genomic context (GRCh38, chr1:26,774,825, plus strand): 5'-GCACGGGCTCTGCCCCCCAGGGCCCCGCCTATCATGGCGTGAACCGAACAGATGAAATGC[T>C]GCACACAGATCAGAGGGCCAACCACGAAGGCTCGTGGCCTTCCCATGGCACACGCCAGCC-3'
Protein context (NP_006006.3, residues 1523-1543): YHGVNRTDEM[Leu1533Pro]HTDQRANHEG

ClinVar aggregate classification (germline): Uncertain significance (1 of 4 stars; one submission).

Submission:

Labcorp Genetics (formerly Invitae), Labcorp
Classification: Uncertain significance. Last evaluated: 2024-01-12. Review status: criteria provided, single submitter. Criteria: Invitae Variant Classification Sherloc (09022015). Collection method: clinical testing. Allele origin: germline.
Comment: This sequence change replaces leucine, which is neutral and non-polar, with proline, which is neutral and non-polar, at codon 1533 of the ARID1A protein (p.Leu1533Pro). This variant is not present in population databases (gnomAD no frequency). This variant has not been reported in the literature in individuals affected with ARID1A-related conditions. Advanced modeling of protein sequence and biophysical properties (such as structural, functional, and spatial information, amino acid conservation, physicochemical variation, residue mobility, and thermodynamic stability) performed at Invitae indicates that this missense variant is not expected to disrupt ARID1A protein function with a negative predictive value of 80%. In summary, the available evidence is currently insufficient to determine the role of this variant in disease. Therefore, it has been classified as a Variant of Uncertain Significance.